The following is an entry in ClinVar:

ClinVar aggregate classification (germline): Uncertain significance. Review status: criteria provided, multiple submitters, no conflicts (2 of 4 stars). 2 submissions from 2 submitters: Uncertain significance (2). Last evaluated 2025-10-18.

Allele frequency attached by ClinVar (database versions not stated): gnomAD 0.00001; gnomAD exomes 0.00001; ExAC 0.00002; TOPMed 0.00002.
gnomAD v4.1: 16 of 1,550,876 alleles (0.001%); highest among the groups gnomAD compares: Admixed American, 0.0037%; no homozygotes.

Submissions (2):

Ambry Genetics
Classification: Uncertain significance. Last evaluated: 2025-10-18. Review status: criteria provided, single submitter. Criteria: Ambry Variant Classification Scheme 2023. Collection method: clinical testing. Allele origin: germline.

Labcorp Genetics (formerly Invitae), Labcorp
Classification: Uncertain significance. Last evaluated: 2023-07-10. Review status: criteria provided, single submitter. Criteria: Invitae Variant Classification Sherloc (09022015). Collection method: clinical testing. Allele origin: germline.
Comment: In summary, the available evidence is currently insufficient to determine the role of this variant in disease. Therefore, it has been classified as a Variant of Uncertain Significance. An algorithm developed to predict the effect of missense changes on protein structure and function (PolyPhen-2) suggests that this variant is likely to be disruptive. This variant has not been reported in the literature in individuals affected with SLC27A5-related conditions. This variant is present in population databases (rs754421112, gnomAD 0.05%). This sequence change replaces arginine, which is basic and polar, with tryptophan, which is neutral and slightly polar, at codon 223 of the SLC27A5 protein (p.Arg223Trp).

NM_012254.3(SLC27A5):c.667C>T (p.Arg223Trp)

Gene: SLC27A5 (solute carrier family 27 member 5; minus strand). Cytogenetic location: 19q13.43.
Variant type: single nucleotide variant.
Coding change: c.667C>T on transcript NM_012254.3 (MANE Select); coding-DNA position 667, C replaced by T.
Protein change: p.Arg223Trp; replaces arginine 223 with tryptophan.
Molecular consequence: missense variant. On other transcripts: intron variant (1).
Genome position (GRCh38, 1-based): chr19:58,511,289, G>A on the plus strand (C>T on the coding strand, the complement: SLC27A5 is on the minus strand). VCF-style: chr19-58511289-G-A. GRCh37 (hg19) VCF-style: chr19-59022656-G-A.
Other names: c.667C>T (NM_012254.2); c.436+231C>T (NM_001321196.2); short protein forms R223W.
Identifiers: ClinVar variation 2904447 (VCV002904447.4), dbSNP rs754421112, ClinGen allele CA9718240.